The following is an entry in ClinVar:

NM_004260.4(RECQL4):c.2585C>T (p.Ser862Leu)

Gene: RECQL4 (RecQ like helicase 4; minus strand). Cytogenetic location: 8q24.3.
Variant type: single nucleotide variant.
Coding change: c.2585C>T on transcript NM_004260.4 (MANE Select); coding-DNA position 2585, C replaced by T.
Protein change: p.Ser862Leu; replaces serine 862 with leucine.
Molecular consequence: missense variant.
Genome position (GRCh38, 1-based): chr8:144,513,017, G>A on the plus strand (C>T on the coding strand, the complement: RECQL4 is on the minus strand). VCF-style: chr8-144513017-G-A. GRCh37 (hg19) VCF-style: chr8-145738400-G-A.
Other names: short protein forms S862L.
Identifiers: ClinVar variation 289690 (VCV000289690.21), dbSNP rs781636798, ClinGen allele CA4948178.
Genomic context (GRCh38, chr8:144,513,017, plus strand): 5'-GCCTCTTGAGGGGGGTACTTGGGCACAGGCCTCTCCCCACCCACGGCCCCTTCCTGCTCC[G>A]AGGGCGGCCTGGTGCAGGTGCAGGTGCAGGCTGGGAACACGCGCTGTACCAGCCTCTTCA-3'
Protein context (NP_004251.4, residues 852-872): ACTCTCTRPP[Ser862Leu]EQEGAVGGER

ClinVar aggregate classification (germline): Conflicting classifications of pathogenicity. Review status: criteria provided, conflicting classifications (1 of 4 stars). 8 submissions from 8 submitters: Uncertain significance (4); Likely benign (1). 3 of the submissions do not count toward it. Last evaluated 2025-12-14.

Conditions:
Malignant tumor of breast. Also called: Malignant breast neoplasm; Cancer breast. Identifiers: MedGen C0006142, MONDO:0007254. Disease mechanism: loss of function.
Baller-Gerold syndrome (BGS). Also called: CRANIOSYNOSTOSIS WITH RADIAL DEFECTS. Identifiers: Orphanet 1225, MedGen C0265308, MONDO:0009039, OMIM 218600.

Allele frequency attached by ClinVar (database versions not stated): gnomAD 0.00001; TOPMed 0.00003; gnomAD exomes 0.00005 and 0.00007; ExAC 0.00007.

Submissions (8):

Labcorp Genetics (formerly Invitae), Labcorp
Classification: Uncertain significance for Baller-Gerold syndrome. Last evaluated: 2025-12-14. Review status: criteria provided, single submitter. Criteria: Invitae Variant Classification Sherloc (09022015). Collection method: clinical testing. Allele origin: germline.
Comment: This sequence change replaces serine, which is neutral and polar, with leucine, which is neutral and non-polar, at codon 862 of the RECQL4 protein (p.Ser862Leu). This variant is present in population databases (rs781636798, gnomAD 0.01%). This variant has not been reported in the literature in individuals affected with RECQL4-related conditions. ClinVar contains an entry for this variant (Variation ID: 289690). Invitae Evidence Modeling of protein sequence and biophysical properties (such as structural, functional, and spatial information, amino acid conservation, physicochemical variation, residue mobility, and thermodynamic stability) indicates that this missense variant is not expected to disrupt RECQL4 protein function with a negative predictive value of 80%. In summary, the available evidence is currently insufficient to determine the role of this variant in disease. Therefore, it has been classified as a Variant of Uncertain Significance.

Dasa
Classification: Uncertain significance. Last evaluated: 2025-07-14. Review status: criteria provided, single submitter. Criteria: DASA Assertion Criteria. Collection method: clinical testing. Allele origin: germline.
Comment: NM_004260.4(RECQL4):c.2585C>T (p.Ser862Leu) is a missense variant that results in the substitution of serine with leucine. This variant is rare in population databases. Computational prediction algorithms are consistent with a benign effect. The currently available literature and clinical evidence are not sufficient to establish a definitive association between this variant and the reported condition. Therefore, this variant is classified as a variant of uncertain significance.

Blueprint Genetics
Classification: Likely benign. Last evaluated: 2024-10-16. Review status: criteria provided, single submitter. Criteria: ACMG Guidelines, 2015. Collection method: clinical testing. Allele origin: germline.

GeneDx
Classification: Uncertain significance. Last evaluated: 2024-08-05. Review status: criteria provided, single submitter. Criteria: GeneDx Variant Classification Process June 2021. Collection method: clinical testing. Allele origin: germline. Affected: yes.
Comment: In silico analysis indicates that this missense variant does not alter protein structure/function; Has not been previously published as pathogenic or benign to our knowledge

Eurofins Ntd Llc (ga)
Classification: Uncertain significance. Last evaluated: 2016-09-07. Review status: criteria provided, single submitter. Criteria: EGL Classification Definitions 2015. Collection method: clinical testing. Allele origin: germline. Observed: 1 variant allele, 1 heterozygote.

Center of Medical Genetics and Primary Health Care
Classification: Uncertain significance for Breast Cancer. Review status: no assertion criteria provided. Collection method: clinical testing. Allele origin: germline. Affected: yes. Not counted in ClinVar's aggregate classification.

Clinical Genetics DNA and cytogenetics Diagnostics Lab, Erasmus MC, Erasmus Medical Center
Classification: Likely benign. Review status: no assertion criteria provided. Collection method: clinical testing. Allele origin: germline. Affected: yes. Study: VKGL Data-share Consensus. Not counted in ClinVar's aggregate classification.

Joint Genome Diagnostic Labs from Nijmegen and Maastricht, Radboudumc and MUMC+
Classification: Likely benign. Review status: no assertion criteria provided. Collection method: clinical testing. Allele origin: germline. Affected: yes. Study: VKGL Data-share Consensus. Not counted in ClinVar's aggregate classification.